The following is an entry in ClinVar:

ClinVar aggregate classification (germline): Likely benign. Review status: criteria provided, multiple submitters, no conflicts (2 of 4 stars). 2 submissions from 2 submitters: Likely benign (2). Last evaluated 2025-08-09.

Conditions:
Oligodontia-cancer predisposition syndrome. Also called: TOOTH AGENESIS-COLORECTAL CANCER SYNDROME. Identifiers: Orphanet 300576, MedGen C1837750, MONDO:0012075, OMIM 608615. Disease mechanism: loss of function.

Allele frequency attached by ClinVar (database versions not stated): gnomAD exomes below 0.00001; TOPMed below 0.00001.
gnomAD v4.1: 2 of 1,613,302 alleles (0.00012%); highest among the groups gnomAD compares: African/African-American, 0.0027%; no homozygotes.

Submissions (2):

Labcorp Genetics (formerly Invitae), Labcorp
Classification: Likely benign for Oligodontia-cancer predisposition syndrome. Last evaluated: 2025-08-09. Review status: criteria provided, single submitter. Criteria: Invitae Variant Classification Sherloc (09022015). Collection method: clinical testing. Allele origin: germline.

Myriad Genetics, Inc.
Classification: Likely benign for Oligodontia-cancer predisposition syndrome. Last evaluated: 2024-07-10. Review status: criteria provided, single submitter. Criteria: Myriad Autosomal Dominant, Autosomal Recessive and X-Linked Classification Criteria (2023). Collection method: clinical testing. Allele origin: unknown.
Comment: This variant is considered likely benign. This variant is intronic and is not expected to impact mRNA splicing.

NM_004655.4(AXIN2):c.2142-9T>C

Gene: AXIN2 (axin 2; minus strand). Cytogenetic location: 17q24.1.
Variant type: single nucleotide variant.
Coding change: c.2142-9T>C on transcript NM_004655.4 (MANE Select); 9 bases into the intron before coding-DNA position 2142, T replaced by C.
Molecular consequence: intron variant.
Genome position (GRCh38, 1-based): chr17:65,535,730, A>G on the plus strand (T>C on the coding strand, the complement: AXIN2 is on the minus strand). VCF-style: chr17-65535730-A-G. GRCh37 (hg19) VCF-style: chr17-63531848-A-G.
Other names: c.1947-9T>C (NM_001363813.1); c.2142-9T>C (LRG_296t1).
Identifiers: ClinVar variation 415207 (VCV000415207.10), dbSNP rs1060504481, ClinGen allele CA16615854.